The following is an entry in ClinVar:

NM_003052.5(SLC34A1):c.1331C>T (p.Thr444Ile)

Gene: SLC34A1 (solute carrier family 34 member 1; plus strand). Cytogenetic location: 5q35.3.
Variant type: single nucleotide variant.
Coding change: c.1331C>T on transcript NM_003052.5 (MANE Select); coding-DNA position 1331, C replaced by T.
Protein change: p.Thr444Ile; replaces threonine 444 with isoleucine.
Molecular consequence: missense variant.
Genome position (GRCh38, 1-based): chr5:177,396,989, C>T. VCF-style: chr5-177396989-C-T. GRCh37 (hg19) VCF-style: chr5-176823990-C-T.
Other names: c.1331C>T (NM_003052.4); short protein forms T444I.
Identifiers: ClinVar variation 2193109 (VCV002193109.6), dbSNP rs752434569, ClinGen allele CA3580757.

ClinVar aggregate classification (germline): Uncertain significance. Review status: criteria provided, multiple submitters, no conflicts (2 of 4 stars). 3 submissions from 3 submitters: Uncertain significance (3). Last evaluated 2025-10-03.

Conditions:
Hypophosphatemic nephrolithiasis/osteoporosis 1. Identifiers: Orphanet 244305, MedGen C2676786, MONDO:0012850, OMIM 612286.
Hypercalcemia, infantile, 2 (HCINF2). Identifiers: Orphanet 300547, MedGen C4310473, MONDO:0014851, OMIM 616963.
Fanconi renotubular syndrome 2 (FRTS2). Identifiers: MedGen C3150652, MONDO:0013247, OMIM 613388.

Allele frequency attached by ClinVar (database versions not stated): ExAC 0.00002; gnomAD exomes 0.00002; gnomAD 0.00003; TOPMed 0.00003.

Submissions (3):

Rare Kidney Stone Consortium and the Mayo Clinic Hyperoxaluria Center, Mayo Clinic
Classification: Uncertain significance for Fanconi renotubular syndrome 2; Hypercalcemia, infantile, 2; Hypophosphatemic nephrolithiasis/osteoporosis 1. Last evaluated: 2025-10-03. Review status: criteria provided, single submitter. Criteria: ACMG Guidelines, 2015. Collection method: research. Allele origin: germline. Observed: 1 variant allele.
Comment: ACMG:PM2, PP3

Labcorp Genetics (formerly Invitae), Labcorp
Classification: Uncertain significance. Last evaluated: 2024-08-12. Review status: criteria provided, single submitter. Criteria: Invitae Variant Classification Sherloc (09022015). Collection method: clinical testing. Allele origin: germline.
Comment: This sequence change replaces threonine, which is neutral and polar, with isoleucine, which is neutral and non-polar, at codon 444 of the SLC34A1 protein (p.Thr444Ile). This variant is present in population databases (rs752434569, gnomAD 0.003%). This variant has not been reported in the literature in individuals affected with SLC34A1-related conditions. ClinVar contains an entry for this variant (Variation ID: 2193109). Advanced modeling of protein sequence and biophysical properties (such as structural, functional, and spatial information, amino acid conservation, physicochemical variation, residue mobility, and thermodynamic stability) performed at Invitae indicates that this missense variant is not expected to disrupt SLC34A1 protein function with a negative predictive value of 80%. In summary, the available evidence is currently insufficient to determine the role of this variant in disease. Therefore, it has been classified as a Variant of Uncertain Significance.

GeneDx
Classification: Uncertain significance. Last evaluated: 2023-06-11. Review status: criteria provided, single submitter. Criteria: GeneDx Variant Classification Process June 2021. Collection method: clinical testing. Allele origin: germline. Affected: yes.
Comment: Has been reported in an adult patient with osteoporosis and atypical femur fracture and ankle fracture; this patient also harbored a variant in the MEPE gene (PMID: 36762943); In silico analysis supports that this missense variant has a deleterious effect on protein structure/function; This variant is associated with the following publications: (PMID: 36762943)

Literature cited by the submitters: PubMed 40794449 (cited by Rare Kidney Stone Consortium and the Mayo Clinic Hyperoxaluria Center, Mayo Clinic).